The following is an entry in ClinVar:

ClinVar aggregate classification (germline): Uncertain significance (1 of 4 stars; one submission).

Submission:

Labcorp Genetics (formerly Invitae), Labcorp
Classification: Uncertain significance. Last evaluated: 2024-08-29. Review status: criteria provided, single submitter. Criteria: Invitae Variant Classification Sherloc (09022015). Collection method: clinical testing. Allele origin: germline.
Comment: This sequence change replaces histidine, which is basic and polar, with tyrosine, which is neutral and polar, at codon 306 of the VCAN protein (p.His306Tyr). This variant is not present in population databases (gnomAD no frequency). This variant has not been reported in the literature in individuals affected with VCAN-related conditions. An algorithm developed to predict the effect of missense changes on protein structure and function (PolyPhen-2) suggests that this variant is likely to be disruptive. In summary, the available evidence is currently insufficient to determine the role of this variant in disease. Therefore, it has been classified as a Variant of Uncertain Significance.

NM_004385.5(VCAN):c.916C>T (p.His306Tyr)

Gene: VCAN (versican; plus strand). Cytogenetic location: 5q14.3.
Variant type: single nucleotide variant.
Coding change: c.916C>T on transcript NM_004385.5 (MANE Select); coding-DNA position 916, C replaced by T.
Protein change: p.His306Tyr; replaces histidine 306 with tyrosine.
Molecular consequence: missense variant.
Genome position (GRCh38, 1-based): chr5:83,512,270, C>T. VCF-style: chr5-83512270-C-T. GRCh37 (hg19) VCF-style: chr5-82808089-C-T.
Other names: c.916C>T, p.His306Tyr (NM_001126336.3, NM_001164097.2, NM_001164098.2); short protein forms H306Y.
Identifiers: ClinVar variation 3622613 (VCV003622613.2).